The following is an entry in ClinVar:

ClinVar aggregate classification (germline): Likely benign (1 of 4 stars; one submission).

Submission:

CeGaT Center for Human Genetics Tuebingen
Classification: Likely benign. Last evaluated: 2024-11-01. Review status: criteria provided, single submitter. Criteria: CeGaT Center For Human Genetics Tuebingen Variant Classification Criteria Version 2. Collection method: clinical testing. Allele origin: germline. Affected: yes. Observed: 1 variant allele.
Comment: COL11A2: PM2:Supporting, BP4, BP7

NM_080680.3(COL11A2):c.2535A>T (p.Pro845=)

Gene: COL11A2 (collagen type XI alpha 2 chain; minus strand). Cytogenetic location: 6p21.32.
Variant type: single nucleotide variant.
Coding change: c.2535A>T on transcript NM_080680.3 (MANE Select); coding-DNA position 2535, A replaced by T.
Protein change: p.Pro845=; no amino-acid change (proline 845 retained).
Molecular consequence: synonymous variant.
Genome position (GRCh38, 1-based): chr6:33,173,921, T>A on the plus strand (A>T on the coding strand, the complement: COL11A2 is on the minus strand). VCF-style: chr6-33173921-T-A. GRCh37 (hg19) VCF-style: chr6-33141698-T-A.
Other names: c.2277A>T, p.Pro759= (NM_080681.3); c.2355A>T, p.Pro785= (NM_001424108.1); c.1689A>T, p.Pro563= (NM_001424109.1); c.1509A>T, p.Pro503= (NM_001424110.1, NM_001424111.1); c.489A>T, p.Pro163= (NM_001424112.1); c.2214A>T, p.Pro738= (NM_080679.3).
Identifiers: ClinVar variation 3388808 (VCV003388808.14).